The following is an entry in ClinVar:

NM_002878.4(RAD51D):c.345+9G>C

Genes: RAD51D (RAD51 paralog D; minus strand), RAD51L3-RFFL (RAD51L3-RFFL readthrough; minus strand). Cytogenetic location: 17q12.
Variant type: single nucleotide variant.
Coding change: c.345+9G>C on transcript NM_002878.4 (MANE Select); 9 bases into the intron after coding-DNA position 345, G replaced by C.
Molecular consequence: intron variant.
Genome position (GRCh38, 1-based): chr17:35,107,357, C>G on the plus strand (G>C on the coding strand, the complement: RAD51D is on the minus strand). VCF-style: chr17-35107357-C-G. GRCh37 (hg19) VCF-style: chr17-33434376-C-G.
Other names: c.145-876G>C (NM_133629.3); c.405+9G>C (NM_001142571.2).
Identifiers: ClinVar variation 3903458 (VCV003903458.1).

ClinVar aggregate classification (germline): Likely benign (1 of 4 stars; one submission).

Conditions:
Breast-ovarian cancer, familial, susceptibility to, 4. Identifiers: Orphanet 145, MedGen C3280345, MONDO:0013669, OMIM 614291.

Submission:

Myriad Genetics, Inc.
Classification: Likely benign for Breast-ovarian cancer, familial, susceptibility to, 4. Last evaluated: 2025-02-21. Review status: criteria provided, single submitter. Criteria: Myriad Autosomal Dominant, Autosomal Recessive and X-Linked Classification Criteria (2023). Collection method: clinical testing. Allele origin: unknown.
Comment: This variant is considered likely benign. This variant is intronic and is not expected to impact mRNA splicing.